The following is an entry in ClinVar:

NM_001079802.2(FKTN):c.648-1016C>G

Gene: FKTN (fukutin; plus strand). Cytogenetic location: 9q31.2.
Variant type: single nucleotide variant.
Coding change: c.648-1016C>G on transcript NM_001079802.2 (MANE Select); 1016 bases into the intron before coding-DNA position 648, C replaced by G.
Molecular consequence: intron variant.
Genome position (GRCh38, 1-based): chr9:105,606,803, C>G. VCF-style: chr9-105606803-C-G. GRCh37 (hg19) VCF-style: chr9-108369084-C-G.
Other names: c.648-1016C>G (NM_006731.2, NM_001351496.2, NM_001198963.2 and 1 more transcripts); c.252-1016C>G (NM_001351502.2, NM_001351499.2, NM_001351500.2 and 1 more transcripts); c.579-1016C>G (NM_001351497.2).
Identifiers: ClinVar variation 677718 (VCV000677718.1), dbSNP rs116042261, ClinGen allele CA197440268.

ClinVar aggregate classification (germline): Likely benign (1 of 4 stars; one submission).

Allele frequency attached by ClinVar (database versions not stated): gnomAD 0.01215 and 0.01301; 1000 Genomes Project 0.01318; TOPMed 0.01360; 1000 Genomes Project 30x 0.01515.

Submission:

GeneDx
Classification: Likely benign. Last evaluated: 2018-06-16. Review status: criteria provided, single submitter. Criteria: GeneDx Variant Classification (06012015). Collection method: clinical testing. Allele origin: germline. Affected: yes.
Comment: This variant is considered likely benign or benign based on one or more of the following criteria: it is a conservative change, it occurs at a poorly conserved position in the protein, it is predicted to be benign by multiple in silico algorithms, and/or has population frequency not consistent with disease.